The following is an entry in ClinVar:

ClinVar aggregate classification (germline): Uncertain significance (1 of 4 stars; one submission).

Conditions:
Beckwith-Wiedemann syndrome (BWS). Also called: EMG SYNDROME; Exomphalos macroglossia gigantism syndrome. Identifiers: Orphanet 116, MedGen C0004903, MONDO:0007534, OMIM 130650.

Allele frequency attached by ClinVar (database versions not stated): gnomAD exomes below 0.00001 and 0.00001; gnomAD 0.00001; ExAC 0.00003.
gnomAD v4.1: 6 of 1,498,288 alleles (0.0004%); highest among the groups gnomAD compares: East Asian, 0.011%; no homozygotes.

Submission:

Labcorp Genetics (formerly Invitae), Labcorp
Classification: Uncertain significance for Beckwith-Wiedemann syndrome. Last evaluated: 2025-11-01. Review status: criteria provided, single submitter. Criteria: Invitae Variant Classification Sherloc (09022015). Collection method: clinical testing. Allele origin: germline.
Comment: This sequence change replaces glycine, which is neutral and non-polar, with serine, which is neutral and polar, at codon 261 of the CDKN1C protein (p.Gly261Ser). The frequency data for this variant in the population databases is considered unreliable, as metrics indicate poor data quality at this position in the gnomAD database. This variant has not been reported in the literature in individuals affected with CDKN1C-related conditions. ClinVar contains an entry for this variant (Variation ID: 856858). Invitae Evidence Modeling of protein sequence and biophysical properties (such as structural, functional, and spatial information, amino acid conservation, physicochemical variation, residue mobility, and thermodynamic stability) indicates that this missense variant is not expected to disrupt CDKN1C protein function with a negative predictive value of 80%. In summary, the available evidence is currently insufficient to determine the role of this variant in disease. Therefore, it has been classified as a Variant of Uncertain Significance.

NM_001122630.2(CDKN1C):c.748G>A (p.Gly250Ser)

Gene: CDKN1C (cyclin dependent kinase inhibitor 1C; minus strand). Cytogenetic location: 11p15.4.
Variant type: single nucleotide variant.
Coding change: c.748G>A on transcript NM_001122630.2 (MANE Select); coding-DNA position 748, G replaced by A.
Protein change: p.Gly250Ser; replaces glycine 250 with serine.
Molecular consequence: missense variant. On other transcripts: intron variant (1).
Genome position (GRCh38, 1-based): chr11:2,884,709, C>T on the plus strand (G>A on the coding strand, the complement: CDKN1C is on the minus strand). VCF-style: chr11-2884709-C-T. GRCh37 (hg19) VCF-style: chr11-2905939-C-T.
Other names: c.781G>A, p.Gly261Ser (NM_000076.2, NM_001362474.2); c.748G>A, p.Gly250Ser (NM_001122631.2); c.255+493G>A (NM_001362475.2); short protein forms G250S, G261S.
Identifiers: ClinVar variation 856858 (VCV000856858.9), dbSNP rs768242627, ClinGen allele CA5822174.